The following is an entry in ClinVar:

NM_002528.7(NTHL1):c.135C>G (p.Ser45Arg)

Gene: NTHL1 (nth like DNA glycosylase 1; minus strand). Cytogenetic location: 16p13.3.
Variant type: single nucleotide variant.
Coding change: c.135C>G on transcript NM_002528.7 (MANE Select); coding-DNA position 135, C replaced by G.
Protein change: p.Ser45Arg; replaces serine 45 with arginine.
Molecular consequence: missense variant. On other transcripts: 5 prime UTR variant (1).
Genome position (GRCh38, 1-based): chr16:2,046,347, G>C on the plus strand (C>G on the coding strand, the complement: NTHL1 is on the minus strand). VCF-style: chr16-2046347-G-C. GRCh37 (hg19) VCF-style: chr16-2096348-G-C.
Other names: c.135C>G, p.Ser45Arg (NM_001318193.2); c.-44C>G (NM_001318194.2); c.159C>G (NM_002528.5); short protein forms S45R.
Identifiers: ClinVar variation 2742829 (VCV002742829.4), dbSNP rs2150947604, ClinGen allele CA394298026.

ClinVar aggregate classification (germline): Uncertain significance. Review status: criteria provided, multiple submitters, no conflicts (2 of 4 stars). 2 submissions from 2 submitters: Uncertain significance (2). Last evaluated 2025-09-08.

Conditions:
Hereditary cancer-predisposing syndrome. Also called: Hereditary Cancer Syndrome; Neoplastic Syndromes, Hereditary; Hereditary neoplastic syndrome; Tumor predisposition. Identifiers: Orphanet 140162, MedGen C0027672, MeSH D009386, MONDO:0015356.

Submissions (2):

Labcorp Genetics (formerly Invitae), Labcorp
Classification: Uncertain significance. Last evaluated: 2025-09-08. Review status: criteria provided, single submitter. Criteria: Invitae Variant Classification Sherloc (09022015). Collection method: clinical testing. Allele origin: germline.
Comment: This sequence change replaces serine, which is neutral and polar, with arginine, which is basic and polar, at codon 53 of the NTHL1 protein (p.Ser53Arg). This variant is not present in population databases (gnomAD no frequency). This variant has not been reported in the literature in individuals affected with NTHL1-related conditions. ClinVar contains an entry for this variant (Variation ID: 2742829). An algorithm developed to predict the effect of missense changes on protein structure and function outputs the following: PolyPhen-2: "Benign". The arginine amino acid residue is found in multiple mammalian species, which suggests that this missense change does not adversely affect protein function. In summary, the available evidence is currently insufficient to determine the role of this variant in disease. Therefore, it has been classified as a Variant of Uncertain Significance.

Ambry Genetics
Classification: Uncertain significance for Hereditary cancer-predisposing syndrome. Last evaluated: 2024-06-20. Review status: criteria provided, single submitter. Criteria: Ambry Variant Classification Scheme 2023. Collection method: clinical testing. Allele origin: germline.
Comment: The p.S53R variant (also known as c.159C>G), located in coding exon 2 of the NTHL1 gene, results from a C to G substitution at nucleotide position 159. The serine at codon 53 is replaced by arginine, an amino acid with dissimilar properties. This amino acid position is conserved. In addition, this alteration is predicted to be tolerated by in silico analysis. Based on the available evidence, the clinical significance of this variant remains unclear.